The following is an entry in ClinVar:

ClinVar aggregate classification (germline): Uncertain significance (1 of 4 stars; one submission).

Conditions:
Hypertrophic cardiomyopathy. Also called: HYPERTROPHIC MYOCARDIOPATHY. Identifiers: Orphanet 217569, MedGen C0007194, MeSH D002312, MONDO:0005045, HP:0001639.

gnomAD v4.1: 1 of 1,614,044 alleles (0.000062%); highest among the groups gnomAD compares: Non-Finnish European, 0.000085%; no homozygotes.

Submission:

Labcorp Genetics (formerly Invitae), Labcorp
Classification: Uncertain significance for Hypertrophic cardiomyopathy. Last evaluated: 2022-02-03. Review status: criteria provided, single submitter. Criteria: Invitae Variant Classification Sherloc (09022015). Collection method: clinical testing. Allele origin: germline.
Comment: ClinVar contains an entry for this variant (Variation ID: 849339). Algorithms developed to predict the effect of missense changes on protein structure and function are either unavailable or do not agree on the potential impact of this missense change (SIFT: "Deleterious"; PolyPhen-2: "Benign"; Align-GVGD: "Class C0"). In summary, the available evidence is currently insufficient to determine the role of this variant in disease. Therefore, it has been classified as a Variant of Uncertain Significance. This variant has not been reported in the literature in individuals affected with MYOM1-related conditions. This sequence change replaces glutamine, which is neutral and polar, with proline, which is neutral and non-polar, at codon 904 of the MYOM1 protein (p.Gln904Pro). This variant is not present in population databases (gnomAD no frequency).

NM_003803.4(MYOM1):c.2711A>C (p.Gln904Pro)

Gene: MYOM1 (myomesin 1; minus strand). Cytogenetic location: 18p11.31.
Variant type: single nucleotide variant.
Coding change: c.2711A>C on transcript NM_003803.4 (MANE Select); coding-DNA position 2711, A replaced by C.
Protein change: p.Gln904Pro; replaces glutamine 904 with proline.
Molecular consequence: missense variant. On other transcripts: intron variant (1).
Genome position (GRCh38, 1-based): chr18:3,129,315, T>G on the plus strand (A>C on the coding strand, the complement: MYOM1 is on the minus strand). VCF-style: chr18-3129315-T-G. GRCh37 (hg19) VCF-style: chr18-3129313-T-G.
Other names: c.2506+2060A>C (NM_019856.2); short protein forms Q904P.
Identifiers: ClinVar variation 849339 (VCV000849339.9), dbSNP rs2079841139, ClinGen allele CA401709806.
Genomic context (GRCh38, chr18:3,129,315, plus strand): 5'-GGGTCAGACTTACTTTTCCCCTGAGGAGCCGCTTTCTGTGGTGGCGGGGTAAGCTCTTCC[T>G]GAACTGTTTCACTTACTTTACTCACTTCTGTTTGGCCCAGGTTTTGAGAGCTACTGGGTA-3'
Protein context (NP_003794.3, residues 894-914): TEVSKVSETV[Gln904Pro]EELTPPPQKA